The following is an entry in ClinVar:

ClinVar aggregate classification (germline): Pathogenic (1 of 4 stars; one submission).

Submission:

Labcorp Genetics (formerly Invitae), Labcorp
Classification: Pathogenic. Last evaluated: 2022-11-22. Review status: criteria provided, single submitter. Criteria: Invitae Variant Classification Sherloc (09022015). Collection method: clinical testing. Allele origin: germline.
Comment: For these reasons, this variant has been classified as Pathogenic. ClinVar contains an entry for this variant (Variation ID: 1451473). This premature translational stop signal has been observed in individual(s) with Usher syndrome (PMID: 27460420). This variant is not present in population databases (gnomAD no frequency). This sequence change creates a premature translational stop signal (p.Ser4048*) in the ADGRV1 gene. It is expected to result in an absent or disrupted protein product. Loss-of-function variants in ADGRV1 are known to be pathogenic (PMID: 19357117, 22135276, 22147658, 26226137, 30718709, 31047384, 32467589).

Literature cited by the submitters: PubMed 27460420; PubMed 19357117; PubMed 22135276; PubMed 22147658; PubMed 26226137; PubMed 30718709; PubMed 31047384; PubMed 32467589.

NM_032119.4(ADGRV1):c.12143C>A (p.Ser4048Ter)

Gene: ADGRV1 (adhesion G protein-coupled receptor V1; plus strand). Cytogenetic location: 5q14.3.
Variant type: single nucleotide variant.
Coding change: c.12143C>A on transcript NM_032119.4 (MANE Select); coding-DNA position 12143, C replaced by A.
Protein change: p.Ser4048Ter; replaces serine 4048 with a stop codon.
Molecular consequence: nonsense. On other transcripts: non-coding transcript variant (1).
Genome position (GRCh38, 1-based): chr5:90,763,327, C>A. VCF-style: chr5-90763327-C-A. GRCh37 (hg19) VCF-style: chr5-90059144-C-A.
Other names: short protein forms S4048*.
Identifiers: ClinVar variation 1451473 (VCV001451473.8), dbSNP rs2150014852, ClinGen allele CA360377219.
Genomic context (GRCh38, chr5:90,763,327, plus strand): 5'-TTTTTTTTGTTTGGCCTTACTGAATTTTCTTCTTTCAGGTAATGATTGATGAATCCCTTT[C>A]ATCCGATGACCCTGATTCATATGTGACATTGACGGTTGTCCGGTCCCCAGGAGGAAAAGG-3'